The following is an entry in ClinVar:

NM_017436.7(A4GALT):c.1034C>T (p.Thr345Met)

Gene: A4GALT (alpha 1,4-galactosyltransferase (P1PK blood group); minus strand). Cytogenetic location: 22q13.2.
Variant type: single nucleotide variant.
Coding change: c.1034C>T on transcript NM_017436.7 (MANE Select); coding-DNA position 1034, C replaced by T.
Protein change: p.Thr345Met; replaces threonine 345 with methionine.
Molecular consequence: missense variant.
Genome position (GRCh38, 1-based): chr22:42,692,918, G>A on the plus strand (C>T on the coding strand, the complement: A4GALT is on the minus strand). VCF-style: chr22-42692918-G-A. GRCh37 (hg19) VCF-style: chr22-43088924-G-A.
Other names: c.1034C>T, p.Thr345Met (NM_001318038.3); short protein forms T345M.
Identifiers: ClinVar variation 3676144 (VCV003676144.2).

ClinVar aggregate classification (germline): Uncertain significance (1 of 4 stars; one submission).

gnomAD v4.1: 34 of 1,606,750 alleles (0.0021%); highest among the groups gnomAD compares: Non-Finnish European, 0.0026%; no homozygotes.

Submission:

Labcorp Genetics (formerly Invitae), Labcorp
Classification: Uncertain significance. Last evaluated: 2024-08-26. Review status: criteria provided, single submitter. Criteria: Invitae Variant Classification Sherloc (09022015). Collection method: clinical testing. Allele origin: germline.
Comment: This sequence change replaces threonine, which is neutral and polar, with methionine, which is neutral and non-polar, at codon 345 of the A4GALT protein (p.Thr345Met). This variant is present in population databases (rs754861621, gnomAD 0.003%). This variant has not been reported in the literature in individuals affected with A4GALT-related conditions. An algorithm developed to predict the effect of missense changes on protein structure and function (PolyPhen-2) suggests that this variant is likely to be disruptive. In summary, the available evidence is currently insufficient to determine the role of this variant in disease. Therefore, it has been classified as a Variant of Uncertain Significance.